The following is an entry in ClinVar:

ClinVar aggregate classification (germline): Likely pathogenic. Review status: criteria provided, multiple submitters, no conflicts (2 of 4 stars). 3 submissions from 3 submitters: Likely pathogenic (3). Last evaluated 2025-10-20.

Conditions:
X-linked Alport syndrome (ATS1). Also called: COL4A5-Related Nephropathy; NEPHROPATHY AND DEAFNESS, X-LINKED. Identifiers: Orphanet 63, Orphanet 88917, MedGen C4746986, MONDO:0010520, OMIM 301050.

Submissions (3):

Women's Health and Genetics/Laboratory Corporation of America, LabCorp
Classification: Likely pathogenic for X-linked Alport syndrome. Last evaluated: 2025-10-20. Review status: criteria provided, single submitter. Criteria: LabCorp Variant Classification Summary - May 2015. Collection method: clinical testing. Allele origin: germline.
Comment: Variant summary: COL4A5 c.2821G>C (p.Gly941Arg) results in a non-conservative amino acid change located in the Triple-helical region of the encoded protein sequence. This missense variant disrupts a critical glycine residue at position 1 of a Gly-X-Y repeat in the collagenous domain of the collagen IV alpha 5 chain, and variants affecting these glycine residues are significantly enriched in individuals with Alport syndrome (PMID: 33854215). Algorithms developed to predict the effect of missense changes on protein structure and function all suggest that this variant is likely to be disruptive. The variant was absent in 182948 control chromosomes. To our knowledge, no occurrence of c.2821G>C in individuals affected with COL4A5-related conditions and no experimental evidence demonstrating its impact on protein function have been reported. ClinVar contains an entry for this variant (Variation ID: 439523). Based on the evidence outlined above, the variant was classified as likely pathogenic.

Bioscientia Institut fuer Medizinische Diagnostik GmbH, Sonic Healthcare
Classification: Likely pathogenic for X-linked Alport syndrome. Last evaluated: 2025-04-15. Review status: criteria provided, single submitter. Criteria: ACMG Guidelines, 2015. Collection method: clinical testing. Allele origin: germline. Affected: yes.

ARUP Laboratories, Molecular Genetics and Genomics, ARUP Laboratories
Classification: Likely pathogenic. Last evaluated: 2017-01-04. Review status: criteria provided, single submitter. Criteria: ARUP Molecular Germline Variant Investigation Process. Collection method: clinical testing. Allele origin: germline.

NM_033380.3(COL4A5):c.2821G>C (p.Gly941Arg)

Gene: COL4A5 (collagen type IV alpha 5 chain; plus strand). Cytogenetic location: Xq22.3.
Variant type: single nucleotide variant.
Coding change: c.2821G>C on transcript NM_033380.3 (MANE Select); coding-DNA position 2821, G replaced by C.
Protein change: p.Gly941Arg; replaces glycine 941 with arginine.
Molecular consequence: missense variant.
Genome position (GRCh38, 1-based): chrX:108,622,729, G>C. VCF-style: chrX-108622729-G-C. GRCh37 (hg19) VCF-style: chrX-107865959-G-C.
Other names: c.2821G>C, p.Gly941Arg (NM_000495.5); short protein forms G941R.
Identifiers: ClinVar variation 439523 (VCV000439523.10), dbSNP rs104886196, ClinGen allele CA413852720.
Genomic context (GRCh38, chrX:108,622,729, plus strand): 5'-ATTTTAGGTGATGATGGCTTGCAGGGTCAGCCAGGACTTCCTGGCCCTACAGGAGAAAAA[G>C]GTAGTAAAGGAGAGCCTGGCCTTCCAGGCCCTCCTGGACCAATGGATCCAAATCTTCTGG-3'
Protein context (NP_203699.1, residues 931-951): PGLPGPTGEK[Gly941Arg]SKGEPGLPGP